The following is an entry in ClinVar:

NC_000005.9:g.(?_13751177)_(13754457_?)del

Gene: DNAH5 (dynein axonemal heavy chain 5; minus strand). Cytogenetic location: 5p15.2.
Variant type: Deletion.
Identifiers: ClinVar variation 2424138 (VCV002424138.11).

ClinVar aggregate classification (germline): Pathogenic (1 of 4 stars; one submission).

Conditions:
Primary ciliary dyskinesia. Also called: Ciliary dyskinesia. Identifiers: Orphanet 244, MedGen C0008780, MONDO:0016575, HP:0012265.

Submission:

Labcorp Genetics (formerly Invitae), Labcorp
Classification: Pathogenic for Primary ciliary dyskinesia. Last evaluated: 2022-04-09. Review status: criteria provided, single submitter. Criteria: Invitae Variant Classification Sherloc (09022015). Collection method: clinical testing. Allele origin: germline.
Comment: This variant is a gross deletion of the genomic region encompassing exon(s) 62-65 of the DNAH5 gene. This variant would be expected to be in-frame, preserving the integrity of the reading frame. This variant has not been reported in the literature in individuals affected with DNAH5-related conditions. This variant disrupts a region of the DNAH5 protein in which other variant(s) (p.Arg3539His) have been determined to be pathogenic (PMID: 22416021, 22499950, 24498942, 26373788). This suggests that this is a clinically significant region of the protein, and that variants that disrupt it are likely to be disease-causing. For these reasons, this variant has been classified as Pathogenic.

Literature cited by the submitters: PubMed 22416021; PubMed 22499950; PubMed 24498942; PubMed 26373788.